The following is an entry in ClinVar:

ClinVar aggregate classification (germline): Uncertain significance. Review status: criteria provided, multiple submitters, no conflicts (2 of 4 stars). 2 submissions from 2 submitters: Uncertain significance (2). Last evaluated 2024-01-30.

Conditions:
Heterotaxy, visceral, 4, autosomal (HTX4). Identifiers: Orphanet 450, MedGen C3151057, MONDO:0013403, OMIM 613751.

Allele frequency attached by ClinVar (database versions not stated): ExAC 0.00003; gnomAD 0.00007 and 0.00008; ESP Exome Variant Server 0.00008; gnomAD exomes 0.00008 and 0.00011; TOPMed 0.00008.
gnomAD v4.1: 167 of 1,613,278 alleles (0.01%); highest among the groups gnomAD compares: Non-Finnish European, 0.013%; no homozygotes.

Submissions (2):

Fulgent Genetics
Classification: Uncertain significance for Heterotaxy, visceral, 4, autosomal. Last evaluated: 2024-01-30. Review status: criteria provided, single submitter. Criteria: ACMG Guidelines, 2015. Collection method: clinical testing. Allele origin: germline.

Labcorp Genetics (formerly Invitae), Labcorp
Classification: Uncertain significance for Heterotaxy, visceral, 4, autosomal. Last evaluated: 2024-01-25. Review status: criteria provided, single submitter. Criteria: Invitae Variant Classification Sherloc (09022015). Collection method: clinical testing. Allele origin: germline.
Comment: This sequence change replaces threonine, which is neutral and polar, with methionine, which is neutral and non-polar, at codon 137 of the ACVR2B protein (p.Thr137Met). This variant is present in population databases (rs199622012, gnomAD 0.01%). This variant has not been reported in the literature in individuals affected with ACVR2B-related conditions. ClinVar contains an entry for this variant (Variation ID: 944078). Advanced modeling of protein sequence and biophysical properties (such as structural, functional, and spatial information, amino acid conservation, physicochemical variation, residue mobility, and thermodynamic stability) performed at Invitae indicates that this missense variant is not expected to disrupt ACVR2B protein function with a negative predictive value of 95%. In summary, the available evidence is currently insufficient to determine the role of this variant in disease. Therefore, it has been classified as a Variant of Uncertain Significance.

NM_001106.4(ACVR2B):c.410C>T (p.Thr137Met)

Gene: ACVR2B (activin A receptor type 2B; plus strand). Cytogenetic location: 3p22.2.
Variant type: single nucleotide variant.
Coding change: c.410C>T on transcript NM_001106.4 (MANE Select); coding-DNA position 410, C replaced by T.
Protein change: p.Thr137Met; replaces threonine 137 with methionine.
Molecular consequence: missense variant.
Genome position (GRCh38, 1-based): chr3:38,478,180, C>T. VCF-style: chr3-38478180-C-T. GRCh37 (hg19) VCF-style: chr3-38519671-C-T.
Other names: short protein forms T137M.
Identifiers: ClinVar variation 944078 (VCV000944078.7), dbSNP rs199622012, ClinGen allele CA2318808.
Genomic context (GRCh38, chr3:38,478,180, plus strand): 5'-AGGGCTCTGTGTGTCCCCCAGTCACGTACGAGCCACCCCCGACAGCCCCCACCCTGCTCA[C>T]GGTGCTGGCCTACTCACTGCTGCCCATCGGGGGCCTTTCCCTCATCGTCCTGCTGGCCTT-3'
Protein context (NP_001097.2, residues 127-147): EPPPTAPTLL[Thr137Met]VLAYSLLPIG